The following is an entry in ClinVar:

ClinVar aggregate classification (germline): Uncertain significance (1 of 4 stars; one submission).

Conditions:
TWIST1-related craniosynostosis (CRS1). Also called: CRANIOSYNOSTOSIS 1. Identifiers: Orphanet 63440, MedGen C4551902, MONDO:0007399, OMIM 123100. Inheritance: Heterogenous inheritance pattern.
Saethre-Chotzen syndrome (SCS). Also called: ACROCEPHALY, SKULL ASYMMETRY, AND MILD SYNDACTYLY; ACS III; CHOTZEN SYNDROME. Identifiers: Orphanet 794, MedGen C0175699, MONDO:0007042, OMIM 101400.

Submission:

Labcorp Genetics (formerly Invitae), Labcorp
Classification: Uncertain significance for TWIST1-related craniosynostosis; Saethre-Chotzen syndrome. Last evaluated: 2024-10-07. Review status: criteria provided, single submitter. Criteria: Invitae Variant Classification Sherloc (09022015). Collection method: clinical testing. Allele origin: germline.
Comment: This variant, c.259_276dup, results in the insertion of 6 amino acid(s) of the TWIST1 protein (p.Ala87_Gly92dup), but otherwise preserves the integrity of the reading frame. This variant is not present in population databases (gnomAD no frequency). This variant has not been reported in the literature in individuals affected with TWIST1-related conditions. ClinVar contains an entry for this variant (Variation ID: 1971612). Experimental studies and prediction algorithms are not available or were not evaluated, and the functional significance of this variant is currently unknown. In summary, the available evidence is currently insufficient to determine the role of this variant in disease. Therefore, it has been classified as a Variant of Uncertain Significance.

NM_000474.4(TWIST1):c.259_276dup (p.Gly92_Ser93insAlaGlyGlyGlyGlyGly)

Gene: TWIST1 (twist family bHLH transcription factor 1; minus strand). Cytogenetic location: 7p21.1.
Variant type: Duplication.
Coding change: c.259_276dup on transcript NM_000474.4 (MANE Select); coding-DNA positions 259 to 276, 18 bases duplicated (GCGGGCGGCGGCGGCGGC).
Protein change: p.Gly92_Ser93insAlaGlyGlyGlyGlyGly.
Molecular consequence: inframe insertion. On other transcripts: non-coding transcript variant (1).
Genome position (GRCh38, 1-based): chr7:19,117,046-19,117,063, GCCGCCGCCGCCGCCCGC duplicated on the plus strand (GCGGGCGGCGGCGGCGGC on the coding strand, the reverse complement: TWIST1 is on the minus strand); duplicating any 18 consecutive bases within chr7:19,117,046-19,117,078 gives the same sequence; the c. name uses the placement nearest the transcript's 3' end. VCF-style (leftmost placement, unchanged base first): chr7-19117045-T-TGCCGCCGCCGCCGCCCGC. GRCh37 (hg19) VCF-style: chr7-19156668-T-TGCCGCCGCCGCCGCCCGC.
Identifiers: ClinVar variation 1971612 (VCV001971612.5), dbSNP rs544465774, ClinGen allele CA917957211.